The following is an entry in ClinVar:

ClinVar aggregate classification (germline): Benign (1 of 4 stars; one submission).

gnomAD v4.1: 4,051 of 1,559,498 alleles (0.26%); highest among the groups gnomAD compares: Middle Eastern, 3%; 27 homozygotes.

Submission:

CeGaT Center for Human Genetics Tuebingen
Classification: Benign. Last evaluated: 2024-12-01. Review status: criteria provided, single submitter. Criteria: CeGaT Center For Human Genetics Tuebingen Variant Classification Criteria Version 2. Collection method: clinical testing. Allele origin: germline. Affected: yes. Observed: 2 variant alleles.
Comment: MZT2B: BS1, BS2

NM_025029.5(MZT2B):c.162C>A (p.Asp54Glu)

Genes: MZT2B (mitotic spindle organizing protein 2B; plus strand), LOC129934765 (ATAC-STARR-seq lymphoblastoid silent region 11954; plus strand). Cytogenetic location: 2q21.1.
Variant type: single nucleotide variant.
Coding change: c.162C>A on transcript NM_025029.5 (MANE Select); coding-DNA position 162, C replaced by A.
Protein change: p.Asp54Glu; replaces aspartic acid 54 with glutamic acid.
Molecular consequence: missense variant.
Genome position (GRCh38, 1-based): chr2:130,182,444, C>A. VCF-style: chr2-130182444-C-A. GRCh37 (hg19) VCF-style: chr2-130940017-C-A.
Other names: c.162C>A, p.Asp54Glu (NM_001330282.2, NM_001330284.2); short protein forms D54E.
Identifiers: ClinVar variation 3387987 (VCV003387987.14).
Genomic context (GRCh38, chr2:130,182,444, plus strand): 5'-CACCGAGGAGATGGAGCTGTACGAGCTGGCGCAGGCGGCGGGCGGCGCTATCGACCCCGA[C>A]GTGTTCAAGTGAGCGGGGCGGGTGGGGGCCGCATGCTAGCCAGACACCCCCCGACCTCTG-3'
Protein context (NP_079305.2, residues 44-64): AQAAGGAIDP[Asp54Glu]VFKILVDLLK